The following is an entry in ClinVar:

NM_017849.4(TMEM127):c.211G>A (p.Val71Met)

Gene: TMEM127 (transmembrane protein 127; minus strand). Cytogenetic location: 2q11.2.
Variant type: single nucleotide variant.
Coding change: c.211G>A on transcript NM_017849.4 (MANE Select); coding-DNA position 211, G replaced by A.
Protein change: p.Val71Met; replaces valine 71 with methionine.
Molecular consequence: missense variant.
Genome position (GRCh38, 1-based): chr2:96,265,171, C>T on the plus strand (G>A on the coding strand, the complement: TMEM127 is on the minus strand). VCF-style: chr2-96265171-C-T. GRCh37 (hg19) VCF-style: chr2-96930909-C-T.
Other names: c.211G>A, p.Val71Met (NM_001193304.3); short protein forms V71M.
Identifiers: ClinVar variation 648770 (VCV000648770.19), dbSNP rs142947571, ClinGen allele CA52419046.

ClinVar aggregate classification (germline): Uncertain significance. Review status: criteria provided, multiple submitters, no conflicts (2 of 4 stars). 4 submissions from 4 submitters: Uncertain significance (4). Last evaluated 2025-09-04.

Conditions:
Pheochromocytoma. Also called: MAX-Related Hereditary Paraganglioma-Pheochromocytoma Syndrome. Identifiers: Orphanet 29072, MedGen C0031511, MONDO:0008233, OMIM 171300, HP:0002666.
Hereditary cancer-predisposing syndrome. Also called: Hereditary neoplastic syndrome; Hereditary Cancer Syndrome; Tumor predisposition; Neoplastic Syndromes, Hereditary. Identifiers: Orphanet 140162, MedGen C0027672, MeSH D009386, MONDO:0015356.
Hereditary pheochromocytoma and paraganglioma. Also called: Hereditary paragangliomas and pheochromocytomas; Hereditary pheochromocytoma-paraganglioma; Hereditary Paraganglioma-Pheochromocytoma Syndromes. Identifiers: Orphanet 29072, MedGen C4274332, MONDO:0017366.

Allele frequency attached by ClinVar (database versions not stated): gnomAD 0.00001; ESP Exome Variant Server 0.00008.

Submissions (4):

Labcorp Genetics (formerly Invitae), Labcorp
Classification: Uncertain significance for Hereditary pheochromocytoma and paraganglioma. Last evaluated: 2025-09-04. Review status: criteria provided, single submitter. Criteria: Invitae Variant Classification Sherloc (09022015). Collection method: clinical testing. Allele origin: germline.
Comment: This sequence change replaces valine, which is neutral and non-polar, with methionine, which is neutral and non-polar, at codon 71 of the TMEM127 protein (p.Val71Met). The frequency data for this variant in the population databases is considered unreliable, as metrics indicate poor data quality at this position in the gnomAD database. This variant has not been reported in the literature in individuals affected with TMEM127-related conditions. ClinVar contains an entry for this variant (Variation ID: 648770). An algorithm developed to predict the effect of missense changes on protein structure and function (PolyPhen-2) suggests that this variant is likely to be disruptive. In summary, the available evidence is currently insufficient to determine the role of this variant in disease. Therefore, it has been classified as a Variant of Uncertain Significance.

GeneDx
Classification: Uncertain significance. Last evaluated: 2025-05-06. Review status: criteria provided, single submitter. Criteria: GeneDx Variant Classification Process June 2021. Collection method: clinical testing. Allele origin: germline.
Comment: Not observed at significant frequency in large population cohorts (gnomAD); In silico analysis suggests that this missense variant does not alter protein structure/function; Has not been previously published as pathogenic or benign to our knowledge

Ambry Genetics
Classification: Uncertain significance for Hereditary cancer-predisposing syndrome. Last evaluated: 2024-03-27. Review status: criteria provided, single submitter. Criteria: Ambry Variant Classification Scheme 2023. Collection method: clinical testing. Allele origin: germline.
Comment: The p.V71M variant (also known as c.211G>A), located in coding exon 1 of the TMEM127 gene, results from a G to A substitution at nucleotide position 211. The valine at codon 71 is replaced by methionine, an amino acid with highly similar properties. This amino acid position is highly conserved in available vertebrate species. In addition, this alteration is predicted to be deleterious by in silico analysis. Since supporting evidence is limited at this time, the clinical significance of this alteration remains unclear.

Baylor Genetics
Classification: Uncertain significance for Pheochromocytoma. Last evaluated: 2024-02-10. Review status: criteria provided, single submitter. Criteria: ACMG Guidelines, 2015. Collection method: clinical testing. Allele origin: unknown.